The following is an entry in ClinVar:

ClinVar aggregate classification (germline): Uncertain significance (1 of 4 stars; one submission).

Conditions:
CTNNB1-related syndromic intellectual disability.

Submission:

Illumina Laboratory Services, Illumina
Classification: Uncertain significance for CTNNB1-related syndromic intellectual disability. Last evaluated: 2021-01-15. Review status: criteria provided, single submitter. Criteria: ICSLVariantClassificationCriteria RUGD 01 April 2020. Collection method: clinical testing. Allele origin: unknown.
Comment: The CTNNB1 c.1A>G (p.Met1?) variant is predicted to disrupt the initiator codon and thus potentially may interfere with protein expression. A literature search was performed for the gene, cDNA change, and amino acid change. No publications were found based on this search. This variant is not found in the in the Genome Aggregation Database, in a region of good sequence coverage, suggesting that the variant is rare. Based on the limited evidence, the p.Met1? variant is classified as a variant of uncertain significance for CTNNB1-related syndromic intellectual disability.

NM_001904.4(CTNNB1):c.1A>G (p.Met1Val)

Gene: CTNNB1 (catenin beta 1; plus strand). Cytogenetic location: 3p22.1.
Variant type: single nucleotide variant.
Coding change: c.1A>G on transcript NM_001904.4 (MANE Select); coding-DNA position 1, A replaced by G.
Protein change: p.Met1Val; changes the start codon (methionine 1).
Molecular consequence: missense variant, initiator codon variant. On other transcripts: 5 prime UTR variant (1).
Genome position (GRCh38, 1-based): chr3:41,224,069, A>G. VCF-style: chr3-41224069-A-G. GRCh37 (hg19) VCF-style: chr3-41265560-A-G.
Other names: c.1A>G, p.Met1Val (NM_001098209.2, NM_001098210.2); c.-153A>G (NM_001330729.2); short protein forms M1V.
Identifiers: ClinVar variation 1199189 (VCV001199189.5), dbSNP rs956534023, ClinGen allele CA74088417.